The following is an entry in ClinVar:

ClinVar aggregate classification (germline): Pathogenic. Review status: criteria provided, multiple submitters, no conflicts (2 of 4 stars). 4 submissions from 4 submitters: Pathogenic (4). Last evaluated 2023-12-18.

Conditions:
Heterotopia, periventricular, X-linked dominant (PVNH1). Also called: PERIVENTRICULAR NODULAR HETEROTOPIA 4; HETEROTOPIA, PERIVENTRICULAR, 1; X-linked periventricular heterotopia; PERIVENTRICULAR NODULAR HETEROTOPIA 1. Identifiers: Orphanet 2149, Orphanet 82004, MedGen C1848213, MONDO:0010233, OMIM 300049.
Melnick-Needles syndrome (MNS). Also called: Melnick-Needles Syndrome (FLNA-MNS); MELNICK-NEEDLES OSTEODYSPLASTY; OSTEODYSPLASTY OF MELNICK AND NEEDLES. Identifiers: Orphanet 2484, MedGen C0025237, MONDO:0010650, OMIM 309350.
Oto-palato-digital syndrome, type II (OPD2). Also called: Otopalatodigital Syndrome Type 2 (FLNA-OPD2); FACIOPALATOOSSEOUS SYNDROME; OPD II SYNDROME; Otopalatodigital Syndrome, Type II. Identifiers: Orphanet 669, Orphanet 90652, MedGen C1844696, MONDO:0010571, OMIM 304120.
Frontometaphyseal dysplasia (FMD1). Identifiers: Orphanet 1826, MedGen C0265293, MONDO:0015942.

Submissions (4):

3billion
Classification: Pathogenic for Heterotopia, periventricular, X-linked dominant. Last evaluated: 2023-12-18. Review status: criteria provided, single submitter. Criteria: ACMG Guidelines, 2015. Collection method: clinical testing. Allele origin: germline. Affected: yes.
Comment: The variant is not observed in the gnomAD v2.1.1 dataset. Predicted Consequence/Location: Stop-gained (nonsense): predicted to result in a loss or disruption of normal protein function through nonsense-mediated decay (NMD) or protein truncation. Multiple pathogenic variants are reported downstream of the variant. The variant has been reported at least twice as pathogenic with clinical assertions and evidence for the classification (ClinVar ID: VCV000093762 /PMID: 16684786). Therefore, this variant is classified as Pathogenic according to the recommendation of ACMG/AMP guideline.

Labcorp Genetics (formerly Invitae), Labcorp
Classification: Pathogenic for Oto-palato-digital syndrome, type II; Heterotopia, periventricular, X-linked dominant; Frontometaphyseal dysplasia; Melnick-Needles syndrome. Last evaluated: 2023-06-05. Review status: criteria provided, single submitter. Criteria: Invitae Variant Classification Sherloc (09022015). Collection method: clinical testing. Allele origin: germline.
Comment: This premature translational stop signal has been observed in individual(s) with periventricular heterotopia (PMID: 16684786, 28953922). This variant is not present in population databases (gnomAD no frequency). This sequence change creates a premature translational stop signal (p.Arg1515*) in the FLNA gene. It is expected to result in an absent or disrupted protein product. Loss-of-function variants in FLNA are known to be pathogenic (PMID: 16684786, 20730588, 26471271). For these reasons, this variant has been classified as Pathogenic. ClinVar contains an entry for this variant (Variation ID: 93762).

GeneDx
Classification: Pathogenic. Last evaluated: 2022-04-12. Review status: criteria provided, single submitter. Criteria: GeneDx Variant Classification Process June 2021. Collection method: clinical testing. Allele origin: germline. Affected: yes.
Comment: Nonsense variant predicted to result in protein truncation or nonsense mediated decay in a gene for which loss of function is a known mechanism of disease; Not observed at significant frequency in large population cohorts (gnomAD); This variant is associated with the following publications: (PMID: 25525159, 28953922, 16684786, 29738522)

Eurofins Ntd Llc (ga)
Classification: Pathogenic. Last evaluated: 2013-02-28. Review status: criteria provided, single submitter. Criteria: EGL Classification Definitions. Collection method: clinical testing. Allele origin: germline. Observed: 1 variant allele, 1 heterozygote.

Literature cited by the submitters: PubMed 16684786 (cited by 3billion and Labcorp Genetics (formerly Invitae), Labcorp); PubMed 28953922 (cited by Labcorp Genetics (formerly Invitae), Labcorp); PubMed 20730588 (cited by Labcorp Genetics (formerly Invitae), Labcorp); PubMed 26471271 (cited by Labcorp Genetics (formerly Invitae), Labcorp).

NM_001110556.2(FLNA):c.4543C>T (p.Arg1515Ter)

Gene: FLNA (filamin A; minus strand). Cytogenetic location: Xq28.
Variant type: single nucleotide variant.
Coding change: c.4543C>T on transcript NM_001110556.2 (MANE Select); coding-DNA position 4543, C replaced by T.
Protein change: p.Arg1515Ter; replaces arginine 1515 with a stop codon.
Molecular consequence: nonsense.
Genome position (GRCh38, 1-based): chrX:154,358,500, G>A on the plus strand (C>T on the coding strand, the complement: FLNA is on the minus strand). VCF-style: chrX-154358500-G-A. GRCh37 (hg19) VCF-style: chrX-153586868-G-A.
Other names: c.4543C>T, p.Arg1515Ter (NM_001456.4); short protein forms R1515*.
Identifiers: ClinVar variation 93762 (VCV000093762.12), dbSNP rs186214592, ClinGen allele CA221720.